The following is an entry in ClinVar:

NM_019066.5(MAGEL2):c.3246C>T (p.Thr1082=)

Gene: MAGEL2 (MAGE family member L2; minus strand). Cytogenetic location: 15q11.2.
Variant type: single nucleotide variant.
Coding change: c.3246C>T on transcript NM_019066.5 (MANE Select); coding-DNA position 3246, C replaced by T.
Protein change: p.Thr1082=; no amino-acid change (threonine 1082 retained).
Molecular consequence: synonymous variant.
Genome position (GRCh38, 1-based): chr15:23,644,497, G>A on the plus strand (C>T on the coding strand, the complement: MAGEL2 is on the minus strand). VCF-style: chr15-23644497-G-A. GRCh37 (hg19) VCF-style: chr15-23889644-G-A.
Identifiers: ClinVar variation 2790541 (VCV002790541.3), dbSNP rs1378837872, ClinGen allele CA489228470.

ClinVar aggregate classification (germline): Uncertain significance (1 of 4 stars; one submission).

Submission:

Labcorp Genetics (formerly Invitae), Labcorp
Classification: Uncertain significance. Last evaluated: 2024-04-05. Review status: criteria provided, single submitter. Criteria: Invitae Variant Classification Sherloc (09022015). Collection method: clinical testing. Allele origin: germline.
Comment: This sequence change affects codon 1082 of the MAGEL2 mRNA. It is a 'silent' change, meaning that it does not change the encoded amino acid sequence of the MAGEL2 protein. This variant is not present in population databases (gnomAD no frequency). This variant has not been reported in the literature in individuals affected with MAGEL2-related conditions. In summary, the available evidence is currently insufficient to determine the role of this variant in disease. Therefore, it has been classified as a Variant of Uncertain Significance.